The following is an entry in ClinVar:

ClinVar aggregate classification (germline): Pathogenic (3 of 4 stars; one submission).

Conditions:
Monogenic diabetes. Identifiers: Orphanet 183625, MedGen C3888631, MONDO:0015967.

Submission:

ClinGen Monogenic Diabetes Variant Curation Expert Panel
Classification: Pathogenic for Monogenic diabetes. Last evaluated: 2022-08-05. Review status: reviewed by expert panel. Criteria: Clingen Diabetes Acmg Specifications V1 2. Collection method: curation. Allele origin: germline. Inheritance: Autosomal dominant inheritance.
Comment: The c.327-1G>A variant in the HNF1 homeobox A gene, HNF1A, is predicted to remove a canonical splice acceptor site in intron 2 of NM_000545.8. This variant is predicted to cause skipping of biologically-relevant exon 2/10, resulting in a frameshift, leading to nonsense mediated decay in a gene in which loss-of-function is an established disease mechanism (PVS1). This variant is absent from gnomAD v2.1.1. (PM2_Supporting). The nucleotide change c.327-1G>T has been reported in a patient with MODY; however, the c.327-1G>T variant has not met the criteria to be classified as pathogenic provided by the ClinGen MDEP without the supporting evidence from this variant, and PS1 cannot be applied. Taken together, this evidence supports the classification of this variant as pathogenic for HNF1A-MODY by the ClinGen MDEP. ACMG/AMP criteria applied, as specified by the ClinGen MDEP VCEP (specification version 1.1, approved 9/30/2021): PVS1, PM2_Supporting, PP4.

NM_000545.8(HNF1A):c.327-1G>A

Gene: HNF1A (HNF1 homeobox A; plus strand). Cytogenetic location: 12q24.31.
Variant type: single nucleotide variant.
Coding change: c.327-1G>A on transcript NM_000545.8 (MANE Select); the canonical splice acceptor site of the intron before coding-DNA position 327, G replaced by A.
Molecular consequence: splice acceptor variant.
Genome position (GRCh38, 1-based): chr12:120,988,832, G>A. VCF-style: chr12-120988832-G-A. GRCh37 (hg19) VCF-style: chr12-121426635-G-A.
Other names: NM_001306179.2:c.327-1G>A; c.327-1G>A (NM_001306179.2, NM_001406915.1).
Identifiers: ClinVar variation 1804170 (VCV001804170.1), dbSNP rs2135832426, ClinGen allele CA386958691.